The following is an entry in ClinVar:

NM_078629.4(MSL3):c.1372C>T (p.Arg458Ter)

Gene: MSL3 (MSL complex subunit 3; plus strand). Cytogenetic location: Xp22.2.
Variant type: single nucleotide variant.
Coding change: c.1372C>T on transcript NM_078629.4 (MANE Select); coding-DNA position 1372, C replaced by T.
Protein change: p.Arg458Ter; replaces arginine 458 with a stop codon.
Molecular consequence: nonsense.
Genome position (GRCh38, 1-based): chrX:11,772,246, C>T. VCF-style: chrX-11772246-C-T. GRCh37 (hg19) VCF-style: chrX-11790365-C-T.
Other names: c.1336C>T, p.Arg446Ter (NM_001193270.2); c.925C>T, p.Arg309Ter (NM_001282174.1); c.874C>T, p.Arg292Ter (NM_006800.4); short protein forms R292*, R458*, R446*, R309*.
Identifiers: ClinVar variation 487568 (VCV000487568.6), dbSNP rs1555907620, ClinGen allele CA412066980.

ClinVar aggregate classification (germline): Pathogenic/Likely pathogenic. Review status: criteria provided, multiple submitters, no conflicts (2 of 4 stars). 3 submissions from 3 submitters: Pathogenic (1); Likely pathogenic (1). 1 of the submissions does not count toward it. Last evaluated 2023-02-22.

Conditions:
Basilicata-Akhtar syndrome. Also called: MENTAL RETARDATION, X-LINKED, SYNDROMIC, BASILICATA-AKHTAR TYPE; INTELLECTUAL DEVELOPMENTAL DISORDER, X-LINKED, SYNDROMIC, 36. Identifiers: MedGen C5231394, MONDO:0026730, OMIM 301032.
Intellectual disability. Also called: Intellectual developmental disorder; Intellectual functioning disability; intellectual disabilities. Identifiers: MedGen C3714756, MeSH D008607, MONDO:0001071, HP:0001249.

Submissions (3):

GeneDx
Classification: Pathogenic. Last evaluated: 2023-02-22. Review status: criteria provided, single submitter. Criteria: GeneDx Variant Classification Process June 2021. Collection method: clinical testing. Allele origin: germline. Affected: yes.
Comment: Nonsense variant predicted to result in protein truncation or nonsense mediated decay in a gene for which loss-of-function is a known mechanism of disease; Not observed in large population cohorts (gnomAD); This variant is associated with the following publications: (PMID: 33173220, 30224647)

Equipe Genetique des Anomalies du Developpement, Université de Bourgogne
Classification: Likely pathogenic for Intellectual disability. Last evaluated: 2017-01-01. Review status: criteria provided, single submitter. Criteria: ACMG Guidelines, 2015. Collection method: research. Allele origin: de novo, inherited. Affected: yes. Observed: 2 variant alleles.

OMIM
Classification: Pathogenic for BASILICATA-AKHTAR SYNDROME. Last evaluated: 2022-08-05. Review status: no assertion criteria provided. Collection method: literature only. Allele origin: unknown. Not counted in ClinVar's aggregate classification.

Literature cited by the submitters: PubMed 30224647 (cited by OMIM).